The following is an entry in ClinVar:

ClinVar aggregate classification (germline): Pathogenic (1 of 4 stars; one submission).

Conditions:
BAP1-related tumor predisposition syndrome (TPDS1). Also called: BAP1 tumor predisposition syndrome; COMMON Syndrome; TUMOR PREDISPOSITION SYNDROME 1; Tumor susceptibility linked to germline BAP1 mutations. Identifiers: Orphanet 289539, MedGen C3280492, MONDO:0013692, OMIM 614327.

Submission:

Labcorp Genetics (formerly Invitae), Labcorp
Classification: Pathogenic for BAP1-related tumor predisposition syndrome. Last evaluated: 2020-11-26. Review status: criteria provided, single submitter. Criteria: Invitae Variant Classification Sherloc (09022015). Collection method: clinical testing. Allele origin: germline.
Comment: For these reasons, this variant has been classified as Pathogenic. This variant has not been reported in the literature in individuals with BAP1-related conditions. This variant is not present in population databases (ExAC no frequency). This sequence change creates a premature translational stop signal (p.Ile589Argfs*52) in the BAP1 gene. It is expected to result in an absent or disrupted protein product. Loss-of-function variants in BAP1 are known to be pathogenic (PMID: 21874000, 23684012).

Literature cited by the submitters: PubMed 21874000; PubMed 23684012.

NM_004656.4(BAP1):c.1766_1770del (p.Ile589fs)

Gene: BAP1 (BRCA1 associated deubiquitinase 1; minus strand). Cytogenetic location: 3p21.1.
Variant type: Deletion.
Coding change: c.1766_1770del on transcript NM_004656.4 (MANE Select); coding-DNA positions 1766 to 1770, 5 bases deleted (TCCAA; older notation c.1766_1770delTCCAA).
Protein change: p.Ile589fs; shifts the reading frame from isoleucine 589.
Molecular consequence: frameshift variant.
Genome position (GRCh38, 1-based): chr3:52,403,258-52,403,262, TTGGA deleted on the plus strand (TCCAA on the coding strand, the reverse complement: BAP1 is on the minus strand); deleting any 5 consecutive bases within chr3:52,403,258-52,403,266 gives the same sequence; the c. name uses the placement nearest the transcript's 3' end. VCF-style (leftmost placement, unchanged base first): chr3-52403257-CTTGGA-C. GRCh37 (hg19) VCF-style: chr3-52437273-CTTGGA-C.
Other names: short protein forms I589fs.
Identifiers: ClinVar variation 1075700 (VCV001075700.5), dbSNP rs2153226499, ClinGen allele CA2499216936.